The following is an entry in ClinVar:

ClinVar aggregate classification (germline): Benign/Likely benign. Review status: criteria provided, multiple submitters, no conflicts (2 of 4 stars). 2 submissions from 2 submitters: Benign (1); Likely benign (1). Last evaluated 2024-10-17.

Conditions:
Rubinstein-Taybi syndrome (RSTS). Identifiers: Orphanet 783, MedGen C0035934, MONDO:0019188.

Allele frequency attached by ClinVar (database versions not stated): gnomAD exomes 0.00001; ExAC 0.00002.
gnomAD v4.1: 14 of 1,614,050 alleles (0.00087%); highest among the groups gnomAD compares: South Asian, 0.014%; no homozygotes.

Submissions (2):

Labcorp Genetics (formerly Invitae), Labcorp
Classification: Benign for Rubinstein-Taybi syndrome. Last evaluated: 2024-10-17. Review status: criteria provided, single submitter. Criteria: Invitae Variant Classification Sherloc (09022015). Collection method: clinical testing. Allele origin: germline.

CeGaT Center for Human Genetics Tuebingen
Classification: Likely benign. Last evaluated: 2023-10-01. Review status: criteria provided, single submitter. Criteria: CeGaT Center For Human Genetics Tuebingen Variant Classification Criteria Version 2. Collection method: clinical testing. Allele origin: germline. Affected: yes. Observed: 1 variant allele.
Comment: CREBBP: BS2

NM_004380.3(CREBBP):c.1509G>T (p.Gln503His)

Gene: CREBBP (CREB binding lysine acetyltransferase; minus strand). Cytogenetic location: 16p13.3.
Variant type: single nucleotide variant.
Coding change: c.1509G>T on transcript NM_004380.3 (MANE Select); coding-DNA position 1509, G replaced by T.
Protein change: p.Gln503His; replaces glutamine 503 with histidine.
Molecular consequence: missense variant.
Genome position (GRCh38, 1-based): chr16:3,782,748, C>A on the plus strand (G>T on the coding strand, the complement: CREBBP is on the minus strand). VCF-style: chr16-3782748-C-A. GRCh37 (hg19) VCF-style: chr16-3832749-C-A.
Other names: c.1395G>T, p.Gln465His (NM_001079846.1); short protein forms Q465H, Q503H.
Identifiers: ClinVar variation 2646142 (VCV002646142.26), dbSNP rs748447855, ClinGen allele CA7870445.